The following is an entry in ClinVar:

NM_001005373.4(LRSAM1):c.362G>A (p.Arg121His)

Gene: LRSAM1 (leucine rich repeat and sterile alpha motif containing 1; plus strand). Cytogenetic location: 9q33.3.
Variant type: single nucleotide variant.
Coding change: c.362G>A on transcript NM_001005373.4 (MANE Select); coding-DNA position 362, G replaced by A.
Protein change: p.Arg121His; replaces arginine 121 with histidine.
Molecular consequence: missense variant. On other transcripts: 5 prime UTR variant (1), non-coding transcript variant (2).
Genome position (GRCh38, 1-based): chr9:127,461,213, G>A. VCF-style: chr9-127461213-G-A. GRCh37 (hg19) VCF-style: chr9-130223492-G-A.
Other names: c.362G>A, p.Arg121His (NM_001005374.4, NM_001190723.3, NM_001384142.1 and 2 more transcripts); c.-423G>A (NM_001384144.1); short protein forms R121H.
Identifiers: ClinVar variation 917124 (VCV000917124.14), dbSNP rs143910539, ClinGen allele CA5246519.

ClinVar aggregate classification (germline): Uncertain significance. Review status: criteria provided, multiple submitters, no conflicts (2 of 4 stars). 5 submissions from 5 submitters: Uncertain significance (5). Last evaluated 2025-10-30.

Conditions:
Charcot-Marie-Tooth disease axonal type 2P. Also called: Charcot-Marie-Tooth Neuropathy Type 2G; CHARCOT-MARIE-TOOTH NEUROPATHY, TYPE 2P; CHARCOT-MARIE-TOOTH DISEASE, AXONAL, TYPE 2G; CMT 2G. Identifiers: Orphanet 300319, Orphanet 99941, MedGen C3280797, MONDO:0013753, OMIM 614436.
Charcot-Marie-Tooth disease. Also called: Charcot-Marie-Tooth Hereditary Neuropathy; Charcot-Marie-Tooth Neuropathy. Identifiers: Orphanet 166, MedGen C0007959, MONDO:0015626.

Allele frequency attached by ClinVar (database versions not stated): gnomAD 0.00001 and 0.00004; ExAC 0.00002; gnomAD exomes 0.00002; TOPMed 0.00004; ESP Exome Variant Server 0.00008.
gnomAD v4.1: 71 of 1,612,184 alleles (0.0044%); highest among the groups gnomAD compares: Middle Eastern, 0.033%; no homozygotes.

Submissions (5):

Women's Health and Genetics/Laboratory Corporation of America, LabCorp
Classification: Uncertain significance. Last evaluated: 2025-10-30. Review status: criteria provided, single submitter. Criteria: LabCorp Variant Classification Summary - May 2015. Collection method: clinical testing. Allele origin: germline.
Comment: Variant summary: LRSAM1 c.362G>A (p.Arg121His) results in a non-conservative amino acid change in the encoded protein sequence. Algorithms developed to predict the effect of missense changes on protein structure and function are either unavailable or do not agree on the potential impact of this missense change. The variant allele was found at a frequency of 2.4e-05 in 251488 control chromosomes. The available data on variant occurrences in the general population are insufficient to allow any conclusion about variant significance. c.362G>A has been observed in at least one individual with features of Charcot-Marie-Tooth disease (Volodarsky_2021). These data do not allow any conclusion about variant significance. To our knowledge, no experimental evidence demonstrating an impact on protein function has been reported. The following publication has been ascertained in the context of this evaluation (PMID: 32376792). ClinVar contains an entry for this variant (Variation ID: 917124). Based on the evidence outlined above, the variant was classified as uncertain significance.

Labcorp Genetics (formerly Invitae), Labcorp
Classification: Uncertain significance for Charcot-Marie-Tooth disease axonal type 2P. Last evaluated: 2024-10-12. Review status: criteria provided, single submitter. Criteria: Invitae Variant Classification Sherloc (09022015). Collection method: clinical testing. Allele origin: germline.
Comment: This sequence change replaces arginine, which is basic and polar, with histidine, which is basic and polar, at codon 121 of the LRSAM1 protein (p.Arg121His). This variant is present in population databases (rs143910539, gnomAD 0.01%). This missense change has been observed in individual(s) with clinical features of Charcot-Marie-Tooth disease (PMID: 32376792). ClinVar contains an entry for this variant (Variation ID: 917124). Invitae Evidence Modeling of protein sequence and biophysical properties (such as structural, functional, and spatial information, amino acid conservation, physicochemical variation, residue mobility, and thermodynamic stability) indicates that this missense variant is not expected to disrupt LRSAM1 protein function with a negative predictive value of 80%. In summary, the available evidence is currently insufficient to determine the role of this variant in disease. Therefore, it has been classified as a Variant of Uncertain Significance.

GeneDx
Classification: Uncertain significance. Last evaluated: 2024-01-16. Review status: criteria provided, single submitter. Criteria: GeneDx Variant Classification Process June 2021. Collection method: clinical testing. Allele origin: germline. Affected: yes.
Comment: Reported previously as a variant of uncertain significance in a patient with suspected Charcot-Marie-Tooth disease; however, no further clinical or segregation information was provided (PMID: 32376792); In silico analysis supports that this missense variant does not alter protein structure/function; This variant is associated with the following publications: (PMID: 32376792, 22781092)

Mayo Clinic Laboratories, Mayo Clinic
Classification: Uncertain significance. Last evaluated: 2020-03-24. Review status: criteria provided, single submitter. Criteria: ACMG Guidelines, 2015. Collection method: clinical testing. Allele origin: germline. Observed: 1 variant allele.

Molecular Genetics Laboratory, London Health Sciences Centre
Classification: Uncertain significance for Charcot-Marie-Tooth disease. Review status: criteria provided, single submitter. Criteria: ACMG Guidelines, 2015. Collection method: clinical testing. Allele origin: germline. Affected: yes.

Literature cited by the submitters: PubMed 32376792 (cited by Women's Health and Genetics/Laboratory Corporation of America, LabCorp and Labcorp Genetics (formerly Invitae), Labcorp).